The following is an entry in ClinVar:

NM_001394062.1(MACF1):c.2972A>T (p.His991Leu)

Gene: MACF1 (microtubule actin crosslinking factor 1; plus strand). Cytogenetic location: 1p34.3.
Variant type: single nucleotide variant.
Coding change: c.2972A>T on transcript NM_001394062.1 (MANE Select); coding-DNA position 2972, A replaced by T.
Protein change: p.His991Leu; replaces histidine 991 with leucine.
Molecular consequence: missense variant.
Genome position (GRCh38, 1-based): chr1:39,310,300, A>T. VCF-style: chr1-39310300-A-T. GRCh37 (hg19) VCF-style: chr1-39775972-A-T.
Other names: c.2987A>T, p.His996Leu (NM_012090.5); short protein forms H991L, H996L.
Identifiers: ClinVar variation 2572916 (VCV002572916.1), dbSNP rs1029638756, ClinGen allele CA339777929.

ClinVar aggregate classification (germline): Uncertain significance (1 of 4 stars; one submission).

Submission:

GeneDx
Classification: Uncertain significance. Last evaluated: 2023-01-17. Review status: criteria provided, single submitter. Criteria: GeneDx Variant Classification Process June 2021. Collection method: clinical testing. Allele origin: germline. Affected: yes.
Comment: Not observed at significant frequency in large population cohorts (gnomAD); In silico analysis supports that this missense variant has a deleterious effect on protein structure/function; Has not been previously published as pathogenic or benign to our knowledge